The following is an entry in ClinVar:

NM_004336.5(BUB1):c.1657T>C (p.Phe553Leu)

Gene: BUB1 (BUB1 mitotic checkpoint serine/threonine kinase; minus strand). Cytogenetic location: 2q13.
Variant type: single nucleotide variant.
Coding change: c.1657T>C on transcript NM_004336.5 (MANE Select); coding-DNA position 1657, T replaced by C.
Protein change: p.Phe553Leu; replaces phenylalanine 553 with leucine.
Molecular consequence: missense variant.
Genome position (GRCh38, 1-based): chr2:110,657,077, A>G on the plus strand (T>C on the coding strand, the complement: BUB1 is on the minus strand). VCF-style: chr2-110657077-A-G. GRCh37 (hg19) VCF-style: chr2-111414654-A-G.
Other names: c.1597T>C, p.Phe533Leu (NM_001278616.2); c.1657T>C, p.Phe553Leu (NM_001278617.2); short protein forms F553L, F533L.
Identifiers: ClinVar variation 1777384 (VCV001777384.2), dbSNP rs2468006036, ClinGen allele CA348211432.
Genomic context (GRCh38, chr2:110,657,077, plus strand): 5'-ATAAAACAGGTTTGTTTACCTTTGGTTTTGAAGGAAGTCTGCTGACAGAGCGTTCTCCAA[A>G]GGTCCTGGCTCCTGTGGGTTTATTTTTAGGCTGTGGTAATCTAAGGAAAGATTTGCTAAA-3'
Protein context (NP_004327.1, residues 543-563): PKNKPTGART[Phe553Leu]GERSVSRLPS

ClinVar aggregate classification (germline): Uncertain significance (1 of 4 stars; one submission).

Submission:

Ambry Genetics
Classification: Uncertain significance. Last evaluated: 2021-11-01. Review status: criteria provided, single submitter. Criteria: Ambry Variant Classification Scheme 2023. Collection method: clinical testing. Allele origin: germline.
Comment: The p.F553L variant (also known as c.1657T>C), located in coding exon 15 of the BUB1 gene, results from a T to C substitution at nucleotide position 1657. The phenylalanine at codon 553 is replaced by leucine, an amino acid with highly similar properties. This amino acid position is conserved. In addition, this alteration is predicted to be tolerated by in silico analysis. Since supporting evidence is limited at this time, the clinical significance of this alteration remains unclear.